The following is an entry in ClinVar:

NM_030665.4(RAI1):c.1756A>G (p.Lys586Glu)

Gene: RAI1 (retinoic acid induced 1; plus strand). Cytogenetic location: 17p11.2.
Variant type: single nucleotide variant.
Coding change: c.1756A>G on transcript NM_030665.4 (MANE Select); coding-DNA position 1756, A replaced by G.
Protein change: p.Lys586Glu; replaces lysine 586 with glutamic acid.
Molecular consequence: missense variant.
Genome position (GRCh38, 1-based): chr17:17,794,704, A>G. VCF-style: chr17-17794704-A-G. GRCh37 (hg19) VCF-style: chr17-17698018-A-G.
Other names: short protein forms K586E.
Identifiers: ClinVar variation 3348607 (VCV003348607.1).

ClinVar aggregate classification (germline): Uncertain significance (0 of 4 stars; one submission).

Conditions:
RAI1-related disorder. Also called: RAI1-related condition.

Submission:

PreventionGenetics, part of Exact Sciences
Classification: Uncertain significance for RAI1-related condition. Last evaluated: 2023-12-01. Review status: no assertion criteria provided. Collection method: clinical testing. Allele origin: germline.
Comment: The RAI1 c.1756A>G variant is predicted to result in the amino acid substitution p.Lys586Glu. To our knowledge, this variant has not been reported in the literature or in a large population database, indicating this variant is rare. At this time, the clinical significance of this variant is uncertain due to the absence of conclusive functional and genetic evidence.